The following is an entry in ClinVar:

ClinVar aggregate classification (germline): Uncertain significance. Review status: criteria provided, multiple submitters, no conflicts (2 of 4 stars). 2 submissions from 2 submitters: Uncertain significance (2). Last evaluated 2021-12-17.

Conditions:
Charcot-Marie-Tooth disease type 2. Also called: Charcot-Marie-Tooth type 2. Identifiers: Orphanet 64746, MedGen C0270914, MONDO:0018993.

Allele frequency attached by ClinVar (database versions not stated): gnomAD exomes below 0.00001; TOPMed 0.00002; ExAC 0.00002; gnomAD 0.00001.
gnomAD v4.1: 6 of 1,611,892 alleles (0.00037%); highest among the groups gnomAD compares: Admixed American, 0.0017%; no homozygotes.

Submissions (2):

Labcorp Genetics (formerly Invitae), Labcorp
Classification: Uncertain significance for Charcot-Marie-Tooth disease type 2. Last evaluated: 2021-12-17. Review status: criteria provided, single submitter. Criteria: Invitae Variant Classification Sherloc (09022015). Collection method: clinical testing. Allele origin: germline.
Comment: This sequence change replaces isoleucine, which is neutral and non-polar, with valine, which is neutral and non-polar, at codon 737 of the GARS protein (p.Ile737Val). This variant is present in population databases (rs770378030, gnomAD 0.006%). In summary, the available evidence is currently insufficient to determine the role of this variant in disease. Therefore, it has been classified as a Variant of Uncertain Significance. Algorithms developed to predict the effect of missense changes on protein structure and function output the following: SIFT: "Tolerated"; PolyPhen-2: "Benign"; Align-GVGD: "Class C0". The valine amino acid residue is found in multiple mammalian species, which suggests that this missense change does not adversely affect protein function. This missense change has been observed in individual(s) with developmental disorder (PMID: 31785789).

Ambry Genetics
Classification: Uncertain significance. Last evaluated: 2021-05-01. Review status: criteria provided, single submitter. Criteria: Ambry Variant Classification Scheme 2023. Collection method: clinical testing. Allele origin: germline.
Comment: The p.I737V variant (also known as c.2209A>G), located in coding exon 17 of the GARS gene, results from an A to G substitution at nucleotide position 2209. The isoleucine at codon 737 is replaced by valine, an amino acid with highly similar properties. This amino acid position is not well conserved in available vertebrate species, and valine is the reference amino acid in other vertebrate species. In addition, this alteration is predicted to be tolerated by in silico analysis. Since supporting evidence is limited at this time, the clinical significance of this alteration remains unclear.

Literature cited by the submitters: PubMed 31785789 (cited by Labcorp Genetics (formerly Invitae), Labcorp).

NM_002047.4(GARS1):c.2209A>G (p.Ile737Val)

Gene: GARS1 (glycyl-tRNA synthetase 1; plus strand). Cytogenetic location: 7p14.3.
Variant type: single nucleotide variant.
Coding change: c.2209A>G on transcript NM_002047.4 (MANE Select); coding-DNA position 2209, A replaced by G.
Protein change: p.Ile737Val; replaces isoleucine 737 with valine.
Molecular consequence: missense variant.
Genome position (GRCh38, 1-based): chr7:30,633,849, A>G. VCF-style: chr7-30633849-A-G. GRCh37 (hg19) VCF-style: chr7-30673465-A-G.
Other names: c.2047A>G, p.Ile683Val (NM_001316772.1); short protein forms I683V, I737V.
Identifiers: ClinVar variation 1799846 (VCV001799846.7), dbSNP rs770378030, ClinGen allele CA4206183.